The following is an entry in ClinVar:

NM_000492.4(CFTR):c.4009T>G (p.Phe1337Val)

Gene: CFTR (CF transmembrane conductance regulator; plus strand). Cytogenetic location: 7q31.2.
Variant type: single nucleotide variant.
Coding change: c.4009T>G on transcript NM_000492.4 (MANE Select); coding-DNA position 4009, T replaced by G.
Protein change: p.Phe1337Val; replaces phenylalanine 1337 with valine.
Molecular consequence: missense variant.
Genome position (GRCh38, 1-based): chr7:117,664,733, T>G. VCF-style: chr7-117664733-T-G. GRCh37 (hg19) VCF-style: chr7-117304787-T-G.
Other names: p.Phe1337Val; short protein forms F1337V.
Identifiers: ClinVar variation 53873 (VCV000053873.9), dbSNP rs397508659, ClinGen allele CA327380.

ClinVar aggregate classification (germline): Uncertain significance. Review status: criteria provided, multiple submitters, no conflicts (2 of 4 stars). 6 submissions from 6 submitters: Uncertain significance (5). 1 of the submissions does not count toward it. Last evaluated 2025-11-18.

Conditions:
Cystic fibrosis (CF). Also called: MUCOVISCIDOSIS. Identifiers: Orphanet 586, MedGen C0010674, MONDO:0009061, OMIM 219700. Disease mechanism: loss of function.
Congenital bilateral aplasia of vas deferens from CFTR mutation (CBAVD). Identifiers: Orphanet 48, MedGen C0403814, MONDO:0010178, OMIM 277180. Disease mechanism: loss of function.

Allele frequency attached by ClinVar (database versions not stated): gnomAD exomes 0.00004 and 0.00006; ExAC 0.00007; gnomAD below 0.00001 and 0.00002.
gnomAD v4.1: 53 of 1,613,924 alleles (0.0033%); highest among the groups gnomAD compares: South Asian, 0.056%; no homozygotes.

Submissions (6):

Women's Health and Genetics/Laboratory Corporation of America, LabCorp
Classification: Uncertain significance. Last evaluated: 2025-11-18. Review status: criteria provided, single submitter. Criteria: LabCorp Variant Classification Summary - May 2015. Collection method: clinical testing. Allele origin: germline.
Comment: Variant summary: CFTR c.4009T>G (p.Phe1337Val) results in a non-conservative amino acid change to a highly conserved residue (HGMD) located in the ABC transporter-like, ATP-binding domain (IPR003439) of the encoded protein sequence. Algorithms developed to predict the effect of missense changes on protein structure and function all suggest that this variant is likely to be disruptive. The variant allele was found at a frequency of 6e-05 in 251166 control chromosomes (gnomAD). This frequency is not significantly higher than estimated for a pathogenic variant in CFTR causing Cystic Fibrosis (6e-05 vs 0.013), allowing no conclusion about variant significance. c.4009T>G has been reported in the literature in an individual affected with congenital bilateral absence of the vas deferens (Krasnov_2008, Sickkids database), and they were reported as compound heterozygous with a variant that our lab has classified as likely pathogenic. These data do not allow any conclusion about variant significance. To our knowledge, no experimental evidence demonstrating an impact on protein function has been reported. The following publication has been ascertained in the context of this evaluation (PMID: 18951463). ClinVar contains an entry for this variant (Variation ID: 53873). Based on the evidence outlined above, the variant was classified as uncertain significance.

GeneDx
Classification: Uncertain significance. Last evaluated: 2023-02-28. Review status: criteria provided, single submitter. Criteria: GeneDx Variant Classification Process June 2021. Collection method: clinical testing. Allele origin: germline. Affected: yes.
Comment: In silico analysis supports that this missense variant does not alter protein structure/function; Observed with a second CFTR variant in a patient with congenital bilateral absence of the vas deferens, but it is not known whether the variants occurred on the same (in cis) or on different (in trans) chromosomes (Krasnov et al., 2008); This variant is associated with the following publications: (PMID: 20059485, 18951463)

Labcorp Genetics (formerly Invitae), Labcorp
Classification: Uncertain significance for Cystic fibrosis. Last evaluated: 2022-10-05. Review status: criteria provided, single submitter. Criteria: Invitae Variant Classification Sherloc (09022015). Collection method: clinical testing. Allele origin: germline.
Comment: This sequence change replaces phenylalanine, which is neutral and non-polar, with valine, which is neutral and non-polar, at codon 1337 of the CFTR protein (p.Phe1337Val). This variant is present in population databases (rs397508659, gnomAD 0.05%). This missense change has been observed in individual(s) with congenital absence of the vas deferens (PMID: 18951463). ClinVar contains an entry for this variant (Variation ID: 53873). Advanced modeling of protein sequence and biophysical properties (such as structural, functional, and spatial information, amino acid conservation, physicochemical variation, residue mobility, and thermodynamic stability) performed at Invitae indicates that this missense variant is expected to disrupt CFTR protein function. In summary, the available evidence is currently insufficient to determine the role of this variant in disease. Therefore, it has been classified as a Variant of Uncertain Significance.

Mayo Clinic Laboratories, Mayo Clinic
Classification: Uncertain significance. Last evaluated: 2022-09-14. Review status: criteria provided, single submitter. Criteria: ACMG Guidelines, 2015. Collection method: clinical testing. Allele origin: germline. Observed: 1 variant allele.
Comment: PP3

Juno Genomics, Hangzhou Juno Genomics, Inc
Classification: Uncertain significance for Congenital bilateral aplasia of vas deferens from CFTR mutation; Cystic fibrosis. Review status: criteria provided, single submitter. Criteria: ACMG Guidelines, 2015. Collection method: clinical testing. Allele origin: germline.
Comment: Absent from controls (or at extremely low frequency if recessive) in Genome Aggregation Database.;Multiple lines of computational evidence support a deleterious effect on the gene or gene product.;For recessive disorders, detected in trans with a pathogenic variant.;Patient's phenotype or family history is highly specific for a disease with a single genetic etiology.

ClinVar Staff, National Center for Biotechnology Information (NCBI)
No classification provided. Condition: CFTR-related disorders. Review status: no classification provided. Collection method: literature only. Allele origin: germline. Affected: yes. Not counted in ClinVar's aggregate classification.

Literature cited by the submitters: PubMed 18951463 (cited by 3 submitters); PubMed 20059485 (cited by Mayo Clinic Laboratories, Mayo Clinic and ClinVar Staff, National Center for Biotechnology Information (NCBI)); PubMed 26277102 (cited by Mayo Clinic Laboratories, Mayo Clinic); PubMed 33138774 (cited by Mayo Clinic Laboratories, Mayo Clinic); PubMed 35913788 (cited by Mayo Clinic Laboratories, Mayo Clinic).